The following is an entry in ClinVar:

NM_145166.4(ZBTB47):c.990G>A (p.Glu330=)

Gene: ZBTB47 (zinc finger and BTB domain containing 47; plus strand). Cytogenetic location: 3p22.1.
Variant type: single nucleotide variant.
Coding change: c.990G>A on transcript NM_145166.4 (MANE Select); coding-DNA position 990, G replaced by A.
Protein change: p.Glu330=; no amino-acid change (glutamic acid 330 retained).
Molecular consequence: synonymous variant.
Genome position (GRCh38, 1-based): chr3:42,659,345, G>A. VCF-style: chr3-42659345-G-A. GRCh37 (hg19) VCF-style: chr3-42700837-G-A.
Other names: c.1074G>A, p.Glu358= (NM_001410746.1).
Identifiers: ClinVar variation 3904905 (VCV003904905.10).

ClinVar aggregate classification (germline): Likely benign (1 of 4 stars; one submission).

gnomAD v4.1: 9,230 of 1,448,762 alleles (0.64%); highest among the groups gnomAD compares: Middle Eastern, 1.1%; 56 homozygotes.

Submission:

CeGaT Center for Human Genetics Tuebingen
Classification: Likely benign. Last evaluated: 2026-09-01. Review status: criteria provided, single submitter. Criteria: CeGaT Center For Human Genetics Tuebingen Variant Classification Criteria Version 2. Collection method: clinical testing. Allele origin: germline. Affected: yes. Observed: 9 variant alleles.
Comment: ZBTB47: BP4, BP7, BS2